The following is an entry in ClinVar:

ClinVar aggregate classification (germline): Likely benign (0 of 4 stars; one submission).

Conditions:
BBS1-related disorder. Also called: BBS1-related condition.

Submission:

PreventionGenetics, part of Exact Sciences
Classification: Likely benign for BBS1-related condition. Last evaluated: 2024-04-30. Review status: no assertion criteria provided. Collection method: clinical testing. Allele origin: germline.
Comment: This variant is classified as likely benign based on ACMG/AMP sequence variant interpretation guidelines (Richards et al. 2015 PMID: 25741868, with internal and published modifications).

NM_024649.5(BBS1):c.*5T>C

Genes: BBS1 (Bardet-Biedl syndrome 1; plus strand), ZDHHC24 (zDHHC palmitoyltransferase 24; minus strand). Cytogenetic location: 11q13.2.
Variant type: single nucleotide variant.
Coding change: c.*5T>C on transcript NM_024649.5 (MANE Select); 5 bases downstream of the stop codon, T replaced by C.
Molecular consequence: 3 prime UTR variant. On other transcripts: intron variant (1).
Genome position (GRCh38, 1-based): chr11:66,532,042, T>C. VCF-style: chr11-66532042-T-C. GRCh37 (hg19) VCF-style: chr11-66299513-T-C.
Other names: c.560-2554A>G (NM_001348571.2).
Identifiers: ClinVar variation 3354122 (VCV003354122.1).